The following is an entry in ClinVar:

NM_005188.4(CBL):c.1657T>G (p.Ser553Ala)

Gene: CBL (Cbl proto-oncogene; plus strand). Cytogenetic location: 11q23.3.
Variant type: single nucleotide variant.
Coding change: c.1657T>G on transcript NM_005188.4 (MANE Select); coding-DNA position 1657, T replaced by G.
Protein change: p.Ser553Ala; replaces serine 553 with alanine.
Molecular consequence: missense variant.
Genome position (GRCh38, 1-based): chr11:119,285,282, T>G. VCF-style: chr11-119285282-T-G. GRCh37 (hg19) VCF-style: chr11-119155992-T-G.
Other names: short protein forms S553A.
Identifiers: ClinVar variation 4800618 (VCV004800618.1).

ClinVar aggregate classification (germline): Uncertain significance (1 of 4 stars; one submission).

Conditions:
RASopathy. Also called: rasopathies; Noonan spectrum disorder. Identifiers: Orphanet 536391, MedGen C5555857, MONDO:0021060.

Submission:

Labcorp Genetics (formerly Invitae), Labcorp
Classification: Uncertain significance for RASopathy. Last evaluated: 2025-07-29. Review status: criteria provided, single submitter. Criteria: Invitae Variant Classification Sherloc (09022015). Collection method: clinical testing. Allele origin: germline.
Comment: This sequence change replaces serine, which is neutral and polar, with alanine, which is neutral and non-polar, at codon 553 of the CBL protein (p.Ser553Ala). This variant is not present in population databases (gnomAD no frequency). This variant has not been reported in the literature in individuals affected with CBL-related conditions. Invitae Evidence Modeling of protein sequence and biophysical properties (such as structural, functional, and spatial information, amino acid conservation, physicochemical variation, residue mobility, and thermodynamic stability) indicates that this missense variant is not expected to disrupt CBL protein function with a negative predictive value of 95%. In summary, the available evidence is currently insufficient to determine the role of this variant in disease. Therefore, it has been classified as a Variant of Uncertain Significance.